The following is an entry in ClinVar:

ClinVar aggregate classification (germline): Pathogenic (1 of 4 stars; one submission).

Conditions:
Hereditary spastic paraplegia 39 (SPG39). Also called: Spastic Paraplegia Type 39 (SPG39); SPASTIC PARAPLEGIA 39, AUTOSOMAL RECESSIVE. Identifiers: Orphanet 139480, MedGen C2677586, MONDO:0012787, OMIM 612020.

Submission:

Labcorp Genetics (formerly Invitae), Labcorp
Classification: Pathogenic for Hereditary spastic paraplegia 39. Last evaluated: 2022-09-28. Review status: criteria provided, single submitter. Criteria: Invitae Variant Classification Sherloc (09022015). Collection method: clinical testing. Allele origin: germline.
Comment: For these reasons, this variant has been classified as Pathogenic. This variant disrupts a region of the PNPLA6 protein in which other variant(s) (p.Ser997Leu) have been determined to be pathogenic (PMID: 24355708, 25267340, 33141049). This suggests that this is a clinically significant region of the protein, and that variants that disrupt it are likely to be disease-causing. This variant has not been reported in the literature in individuals affected with PNPLA6-related conditions. This variant results in the deletion of exons 22-29 and part of exon 30 (c.2144-968_3212del) of the PNPLA6 gene. It is expected to disrupt RNA splicing. Variants that disrupt the donor or acceptor splice site typically lead to a loss of protein function (PMID: 16199547), and loss-of-function variants in PNPLA6 are known to be pathogenic (PMID: 24355708).

Literature cited by the submitters: PubMed 24355708; PubMed 25267340; PubMed 33141049; PubMed 16199547.

NC_000019.9:g.(?_7617787)_(7622096_?)del

Gene: PNPLA6 (patatin like domain 6, lysophospholipase; plus strand). Cytogenetic location: 19p13.2.
Variant type: Deletion.
Identifiers: ClinVar variation 2425632 (VCV002425632.3).